The following is an entry in ClinVar:

NM_001291303.3(FAT4):c.12419C>T (p.Ala4140Val)

Gene: FAT4 (FAT atypical cadherin 4; plus strand). Cytogenetic location: 4q28.1.
Variant type: single nucleotide variant.
Coding change: c.12419C>T on transcript NM_001291303.3 (MANE Select); coding-DNA position 12419, C replaced by T.
Protein change: p.Ala4140Val; replaces alanine 4140 with valine.
Molecular consequence: missense variant.
Genome position (GRCh38, 1-based): chr4:125,477,274, C>T. VCF-style: chr4-125477274-C-T. GRCh37 (hg19) VCF-style: chr4-126398429-C-T.
Other names: c.12419C>T, p.Ala4140Val (NM_001291285.3); c.12413C>T, p.Ala4138Val (NM_024582.6); short protein forms A4138V, A4140V.
Identifiers: ClinVar variation 2576869 (VCV002576869.1), dbSNP rs1311146078, ClinGen allele CA358131123.

ClinVar aggregate classification (germline): Uncertain significance (1 of 4 stars; one submission).

Allele frequency attached by ClinVar (database versions not stated): gnomAD 0.00001; gnomAD exomes 0.00001.
gnomAD v4.1: 4 of 1,581,914 alleles (0.00025%); highest among the groups gnomAD compares: East Asian, 0.0023%; no homozygotes.

Submission:

GeneDx
Classification: Uncertain significance. Last evaluated: 2023-02-16. Review status: criteria provided, single submitter. Criteria: GeneDx Variant Classification Process June 2021. Collection method: clinical testing. Allele origin: germline. Affected: yes.
Comment: Not observed at significant frequency in large population cohorts (gnomAD); In silico analysis supports that this missense variant does not alter protein structure/function; Has not been previously published as pathogenic or benign to our knowledge